The following is an entry in ClinVar:

ClinVar aggregate classification (germline): Uncertain significance (1 of 4 stars; one submission).

Conditions:
Hereditary cancer-predisposing syndrome. Also called: Neoplastic Syndromes, Hereditary; Tumor predisposition; Hereditary Cancer Syndrome; Hereditary neoplastic syndrome. Identifiers: Orphanet 140162, MedGen C0027672, MeSH D009386, MONDO:0015356.

Submission:

Ambry Genetics
Classification: Uncertain significance for Hereditary cancer-predisposing syndrome. Last evaluated: 2026-02-20. Review status: criteria provided, single submitter. Criteria: Ambry Variant Classification Scheme 2023. Collection method: clinical testing. Allele origin: germline.
Comment: The p.K771R variant (also known as c.2312A>G), located in coding exon 4 of the MSH6 gene, results from an A to G substitution at nucleotide position 2312. The lysine at codon 771 is replaced by arginine, an amino acid with highly similar properties. This amino acid position is conserved. In addition, the in silico prediction for this alteration is inconclusive. Based on the available evidence, the clinical significance of this variant remains unclear.

NM_000179.3(MSH6):c.2312A>G (p.Lys771Arg)

Gene: MSH6 (mutS homolog 6; plus strand). Cytogenetic location: 2p16.3.
Variant type: single nucleotide variant.
Coding change: c.2312A>G on transcript NM_000179.3 (MANE Select); coding-DNA position 2312, A replaced by G.
Protein change: p.Lys771Arg; replaces lysine 771 with arginine.
Molecular consequence: missense variant. On other transcripts: non-coding transcript variant (5), intron variant (3).
Genome position (GRCh38, 1-based): chr2:47,800,295, A>G. VCF-style: chr2-47800295-A-G. GRCh37 (hg19) VCF-style: chr2-48027434-A-G.
Other names: c.1406A>G, p.Lys469Arg (NM_001281494.2, NM_001406815.1, NM_001406816.1 and 6 more transcripts); c.2408A>G, p.Lys803Arg (NM_001406795.1, NM_001406802.1); c.2312A>G, p.Lys771Arg (NM_001406796.1, NM_001406798.1, NM_001406800.1 and 2 more transcripts); c.2015A>G, p.Lys672Arg (NM_001406797.1, NM_001406801.1, NM_001406818.1 and 10 more transcripts); c.1787A>G, p.Lys596Arg (NM_001406799.1, NM_001406806.1, NM_001406807.1); c.2234A>G, p.Lys745Arg (NM_001406804.1); c.1922A>G, p.Lys641Arg (NM_001281492.2); c.2318A>G, p.Lys773Arg (NM_001406813.1); and 4 more; short protein forms K672R, K469R, K715R, K773R, K641R, K745R, K803R, K596R.
Identifiers: ClinVar variation 4825273 (VCV004825273.1).